The following is an entry in ClinVar:

NM_000143.4(FH):c.905-12dup

Gene: FH (fumarate hydratase; minus strand). Cytogenetic location: 1q43.
Variant type: Duplication.
Coding change: c.905-12dup on transcript NM_000143.4 (MANE Select); 12 bases into the intron before coding-DNA position 905, one base duplicated (T; older notation c.905-12dupT).
Molecular consequence: intron variant.
Genome position (GRCh38, 1-based): chr1:241,504,257, A duplicated on the plus strand (T on the coding strand, the reverse complement: FH is on the minus strand); the first of 5 consecutive A bases (chr1:241,504,257-241,504,261); duplicating any one gives the same sequence. VCF-style (leftmost placement, unchanged base first): chr1-241504256-G-GA. GRCh37 (hg19) VCF-style: chr1-241667556-G-GA.
Identifiers: ClinVar variation 3773359 (VCV003773359.2).

ClinVar aggregate classification (germline): Benign/Likely benign. Review status: criteria provided, multiple submitters, no conflicts (2 of 4 stars). 2 submissions from 2 submitters: Benign (1); Likely benign (1). Last evaluated 2025-04-01.

Conditions:
Hereditary leiomyomatosis and renal cell cancer. Also called: MULTIPLE CUTANEOUS AND UTERINE LEIOMYOMATA 1, WITH OR WITHOUT RENAL CELL CARCINOMA; LEIOMYOMA, MULTIPLE CUTANEOUS; FH tumor predisposition syndrome; Reed syndrome; Multiple cutaneous and uterine leiomyomatosis; Cutaneous leiomyomata with uterine leiomyomata. Identifiers: Orphanet 523, MedGen C1708350, MONDO:0007888, OMIM 150800, HP:0007437. Disease mechanism: loss of function.

Submissions (2):

Labcorp Genetics (formerly Invitae), Labcorp
Classification: Benign. Last evaluated: 2025-04-01. Review status: criteria provided, single submitter. Criteria: Invitae Variant Classification Sherloc (09022015). Collection method: clinical testing. Allele origin: germline.

Myriad Genetics, Inc.
Classification: Likely benign for Hereditary leiomyomatosis and renal cell cancer. Last evaluated: 2024-10-18. Review status: criteria provided, single submitter. Criteria: Myriad Autosomal Dominant, Autosomal Recessive and X-Linked Classification Criteria (2023). Collection method: clinical testing. Allele origin: unknown.
Comment: This variant is considered likely benign. This variant is intronic and is not expected to impact mRNA splicing.